The following is an entry in ClinVar:

NM_006514.4(SCN10A):c.2884A>G (p.Ile962Val)

Genes: SCN10A (sodium voltage-gated channel alpha subunit 10; minus strand), LOC110121288 (VISTA enhancer hs2268; plus strand). Cytogenetic location: 3p22.2.
Variant type: single nucleotide variant.
Coding change: c.2884A>G on transcript NM_006514.4 (MANE Select); coding-DNA position 2884, A replaced by G.
Protein change: p.Ile962Val; replaces isoleucine 962 with valine.
Molecular consequence: missense variant.
Genome position (GRCh38, 1-based): chr3:38,726,809, T>C on the plus strand (A>G on the coding strand, the complement: SCN10A is on the minus strand). VCF-style: chr3-38726809-T-C. GRCh37 (hg19) VCF-style: chr3-38768300-T-C.
Other names: p.Ile962Val; c.2884A>G, p.Ile962Val (NM_001293306.2); c.2590A>G, p.Ile864Val (NM_001293307.2); short protein forms I962V, I864V.
Identifiers: ClinVar variation 95401 (VCV000095401.26), dbSNP rs57326399, ClinGen allele CA2320409.
Genomic context (GRCh38, chr3:38,726,809, plus strand): 5'-CCCTGGGGCCTCTGGGAGCTTGGAGCCCTCCAGAGCTCCCCCTGGCAGTGTTGGCAGCAA[T>C]GTGGTTCTCAGCCTTGGAGCTGGAGAGTGGGAGTTTCACCACCAGCTCAGGCTCTGCCTT-3'
Protein context (NP_006505.4, residues 952-972): PLSSSKAENH[Ile962Val]AANTARGSSG

ClinVar aggregate classification (germline): Benign/Likely benign. Review status: criteria provided, multiple submitters, no conflicts (2 of 4 stars). 12 submissions from 12 submitters: Benign (9); Likely benign (1). 2 of the submissions do not count toward it. Last evaluated 2026-02-04.

Conditions:
Cardiovascular phenotype. Identifiers: MedGen CN230736.
Episodic pain syndrome, familial, 2 (FEPS2). Identifiers: Orphanet 306577, MedGen C3809893, MONDO:0014246, OMIM 615551.
Brugada syndrome. Also called: Sudden unexplained nocturnal death syndrome; Sudden unexpected nocturnal death syndrome; Sudden Unexplained Death Syndrome; Sudden Unexplained Nocturnal Death Syndrome (SUNDS). Identifiers: Orphanet 130, MedGen C1142166, MONDO:0015263.

Allele frequency attached by ClinVar (database versions not stated): ESP Exome Variant Server 0.21029; 1000 Genomes Project 0.21066; TOPMed 0.19819; 1000 Genomes Project 30x 0.20612; gnomAD 0.20797 and 0.21144; gnomAD exomes 0.23733 and 0.24938; ExAC 0.24093.
gnomAD v4.1: 395,627 of 1,611,336 alleles (25%); highest among the groups gnomAD compares: East Asian, 42%; 50,977 homozygotes.

Submissions (12):

Labcorp Genetics (formerly Invitae), Labcorp
Classification: Benign for Brugada syndrome. Last evaluated: 2026-02-04. Review status: criteria provided, single submitter. Criteria: Invitae Variant Classification Sherloc (09022015). Collection method: clinical testing. Allele origin: germline.

Women's Health and Genetics/Laboratory Corporation of America, LabCorp
Classification: Likely benign. Last evaluated: 2023-04-09. Review status: criteria provided, single submitter. Criteria: LabCorp Variant Classification Summary - May 2015. Collection method: clinical testing. Allele origin: germline.

Genome-Nilou Lab
Classification: Benign for Episodic pain syndrome, familial, 2. Last evaluated: 2021-07-15. Review status: criteria provided, single submitter. Criteria: ACMG Guidelines, 2015. Collection method: clinical testing. Allele origin: germline. Affected: no.

Ambry Genetics
Classification: Benign for Cardiovascular phenotype. Last evaluated: 2018-12-21. Review status: criteria provided, single submitter. Criteria: Ambry Variant Classification Scheme 2023. Collection method: clinical testing. Allele origin: germline.

Mayo Clinic Laboratories, Mayo Clinic
Classification: Benign. Last evaluated: 2017-07-25. Review status: criteria provided, single submitter. Criteria: ACMG Guidelines, 2015. Collection method: clinical testing. Allele origin: germline. Observed: 630 variant alleles.

GeneDx
Classification: Benign. Last evaluated: 2016-09-23. Review status: criteria provided, single submitter. Criteria: GeneDx Variant Classification (06012015). Collection method: clinical testing. Allele origin: germline. Affected: yes.
Comment: This variant is considered likely benign or benign based on one or more of the following criteria: it is a conservative change, it occurs at a poorly conserved position in the protein, it is predicted to be benign by multiple in silico algorithms, and/or has population frequency not consistent with disease.

Molecular Diagnostic Laboratory for Inherited Cardiovascular Disease, Montreal Heart Institute
Classification: Benign. Last evaluated: 2016-06-10. Review status: criteria provided, single submitter. Criteria: ACMG Guidelines, 2015. Collection method: clinical testing. Allele origin: germline. Affected: yes.

Eurofins Ntd Llc (ga)
Classification: Benign. Last evaluated: 2013-07-03. Review status: criteria provided, single submitter. Criteria: EGL Classification Definitions 2015. Collection method: clinical testing. Allele origin: germline. Observed: 1 variant allele, 1 heterozygote.

Breakthrough Genomics
Classification: Benign. Review status: criteria provided, single submitter. Criteria: ACMG Guidelines, 2015. Collection method: not provided. Allele origin: germline. Inheritance: Autosomal dominant inheritance. Affected: yes.

PreventionGenetics, part of Exact Sciences
Classification: Benign. Review status: criteria provided, single submitter. Criteria: ACMG Guidelines, 2015. Collection method: clinical testing. Allele origin: germline.

Clinical Genetics, Academic Medical Center
Classification: Benign. Review status: no assertion criteria provided. Collection method: clinical testing. Allele origin: germline. Affected: yes. Study: VKGL Data-share Consensus. Not counted in ClinVar's aggregate classification.

Joint Genome Diagnostic Labs from Nijmegen and Maastricht, Radboudumc and MUMC+
Classification: Benign. Review status: no assertion criteria provided. Collection method: clinical testing. Allele origin: germline. Affected: yes. Study: VKGL Data-share Consensus. Not counted in ClinVar's aggregate classification.